The following is an entry in ClinVar:

NM_016366.3(CABP2):c.470T>C (p.Leu157Pro)

Gene: CABP2 (calcium binding protein 2; minus strand). Cytogenetic location: 11q13.2.
Variant type: single nucleotide variant.
Coding change: c.470T>C on transcript NM_016366.3 (MANE Select); coding-DNA position 470, T replaced by C.
Protein change: p.Leu157Pro; replaces leucine 157 with proline.
Molecular consequence: missense variant.
Genome position (GRCh38, 1-based): chr11:67,520,070, A>G on the plus strand (T>C on the coding strand, the complement: CABP2 is on the minus strand). VCF-style: chr11-67520070-A-G. GRCh37 (hg19) VCF-style: chr11-67287541-A-G.
Other names: c.488T>C, p.Leu163Pro (NM_001318496.2); short protein forms L157P, L163P.
Identifiers: ClinVar variation 1065012 (VCV001065012.3), dbSNP rs1349245853, ClinGen allele CA381513920.
Genomic context (GRCh38, chr11:67,520,070, plus strand): 5'-AGACACGCAGCCCTGCCCGCCCTCAGCCCCAGTGGCCGCACCTCCCGGAAGGCGTCCCGT[A>G]GCTCCCGGACACCGATCATGTCTGCCGTCTCTGCCAGCAGCTTGGGGCCCATCAGCTCCA-3'
Protein context (NP_057450.2, residues 147-167): ETADMIGVRE[Leu157Pro]RDAFREFDTN

ClinVar aggregate classification (germline): Uncertain significance (1 of 4 stars; one submission).

Conditions:
Hearing impairment. Also called: Impaired Hearing. Identifiers: MedGen C1384666, MONDO:0005365, HP:0000365.

Allele frequency attached by ClinVar (database versions not stated): TOPMed 0.00001; gnomAD 0.00001; gnomAD exomes 0.00001.

Submission:

Department of Otolaryngology – Head & Neck Surgery, Cochlear Implant Center
Classification: Uncertain significance for Hearing impairment. Last evaluated: 2021-04-12. Review status: criteria provided, single submitter. Criteria: ClinGen HL ACMG Specifications v1. Collection method: clinical testing. Allele origin: germline. Affected: yes.
Comment: PM2_Moderate, PP3_Supporting